The following is an entry in ClinVar:

NM_012280.4(FTSJ1):c.571+10del

Gene: FTSJ1 (FtsJ RNA 2'-O-methyltransferase 1; plus strand). Cytogenetic location: Xp11.23.
Variant type: Deletion.
Coding change: c.571+10del on transcript NM_012280.4 (MANE Select); 10 bases into the intron after coding-DNA position 571, one base deleted (G; older notation c.571+10delG).
Molecular consequence: intron variant.
Genome position (GRCh38, 1-based): chrX:48,481,538, G deleted; the last of 4 consecutive G bases (chrX:48,481,535-48,481,538); deleting any one gives the same sequence. VCF-style (leftmost placement, unchanged base first): chrX-48481534-TG-T. GRCh37 (hg19) VCF-style: chrX-48339922-TG-T.
Other names: c.571+10del (NM_001441195.1, NM_177439.3, NM_001441196.1 and 4 more transcripts); c.160+10del (NM_001282157.2).
Identifiers: ClinVar variation 3033008 (VCV003033008.3), dbSNP rs782444762, ClinGen allele CA10402587.

ClinVar aggregate classification (germline): Likely benign. Review status: criteria provided, single submitter (1 of 4 stars). 2 submissions from 2 submitters: Likely benign (1). 1 of the submissions does not count toward it. Last evaluated 2022-11-14.

Conditions:
FTSJ1-related disorder. Also called: FTSJ1-related condition.

Submissions (2):

Blueprint Genetics
Classification: Likely benign. Last evaluated: 2022-11-14. Review status: criteria provided, single submitter. Criteria: ACMG Guidelines, 2015. Collection method: clinical testing. Allele origin: germline.

PreventionGenetics, part of Exact Sciences
Classification: Likely benign for FTSJ1-related condition. Last evaluated: 2020-10-12. Review status: no assertion criteria provided. Collection method: clinical testing. Allele origin: germline. Not counted in ClinVar's aggregate classification.
Comment: This variant is classified as likely benign based on ACMG/AMP sequence variant interpretation guidelines (Richards et al. 2015 PMID: 25741868, with internal and published modifications).